The following is an entry in ClinVar:

NM_001197104.2(KMT2A):c.10274C>T (p.Ala3425Val)

Gene: KMT2A (lysine methyltransferase 2A; plus strand). Cytogenetic location: 11q23.3.
Variant type: single nucleotide variant.
Coding change: c.10274C>T on transcript NM_001197104.2 (MANE Select); coding-DNA position 10274, C replaced by T.
Protein change: p.Ala3425Val; replaces alanine 3425 with valine.
Molecular consequence: missense variant.
Genome position (GRCh38, 1-based): chr11:118,506,166, C>T. VCF-style: chr11-118506166-C-T. GRCh37 (hg19) VCF-style: chr11-118376881-C-T.
Other names: c.10265C>T, p.Ala3422Val (NM_005933.4); short protein forms A3425V, A3422V.
Identifiers: ClinVar variation 723722 (VCV000723722.24), dbSNP rs140200473, ClinGen allele CA6304714.

ClinVar aggregate classification (germline): Likely benign. Review status: criteria provided, multiple submitters, no conflicts (2 of 4 stars). 5 submissions from 5 submitters: Likely benign (4). 1 of the submissions does not count toward it. Last evaluated 2026-07-01.

Conditions:
KMT2A-related disorder. Also called: KMT2A-related condition.

Allele frequency attached by ClinVar (database versions not stated): TOPMed 0.00019; gnomAD exomes 0.00027 and 0.00041; ESP Exome Variant Server 0.00031; gnomAD 0.00035; ExAC 0.00061.
gnomAD v4.1: 411 of 1,614,016 alleles (0.025%); highest among the groups gnomAD compares: Admixed American, 0.027%; 2 homozygotes.

Submissions (5):

CeGaT Center for Human Genetics Tuebingen
Classification: Likely benign. Last evaluated: 2026-07-01. Review status: criteria provided, single submitter. Criteria: CeGaT Center For Human Genetics Tuebingen Variant Classification Criteria Version 2. Collection method: clinical testing. Allele origin: germline. Affected: yes. Observed: 3 variant alleles.
Comment: KMT2A: BP4, BS2

Labcorp Genetics (formerly Invitae), Labcorp
Classification: Likely benign. Last evaluated: 2026-01-29. Review status: criteria provided, single submitter. Criteria: Invitae Variant Classification Sherloc (09022015). Collection method: clinical testing. Allele origin: germline.

Blueprint Genetics
Classification: Likely benign. Last evaluated: 2024-10-18. Review status: criteria provided, single submitter. Criteria: ACMG Guidelines, 2015. Collection method: clinical testing. Allele origin: germline.

Breakthrough Genomics
Classification: Likely benign. Review status: criteria provided, single submitter. Criteria: ACMG Guidelines, 2015. Collection method: not provided. Allele origin: germline. Inheritance: Autosomal dominant inheritance. Affected: yes.

PreventionGenetics, part of Exact Sciences
Classification: Likely benign for KMT2A-related condition. Last evaluated: 2024-08-30. Review status: no assertion criteria provided. Collection method: clinical testing. Allele origin: germline. Not counted in ClinVar's aggregate classification.
Comment: This variant is classified as likely benign based on ACMG/AMP sequence variant interpretation guidelines (Richards et al. 2015 PMID: 25741868, with internal and published modifications).